The following is an entry in ClinVar:

ClinVar aggregate classification (germline): Pathogenic (1 of 4 stars; one submission).

Submission:

GeneDx
Classification: Pathogenic. Last evaluated: 2025-06-13. Review status: criteria provided, single submitter. Criteria: GeneDx Variant Classification Process June 2021. Collection method: clinical testing. Allele origin: germline. Affected: yes.
Comment: Frameshift variant predicted to result in protein truncation or nonsense mediated decay in a gene for which loss of function is a known mechanism of disease; Not observed at significant frequency in large population cohorts (gnomAD); This variant is associated with the following publications: (PMID: 31864146)

NM_001165963.4(SCN1A):c.952_953del (p.Ile318fs)

Gene: SCN1A (sodium voltage-gated channel alpha subunit 1; minus strand). Cytogenetic location: 2q24.3.
Variant type: Microsatellite.
Coding change: c.952_953del on transcript NM_001165963.4 (MANE Select); coding-DNA positions 952 to 953, 2 bases deleted (AT; older notation c.952_953delAT).
Protein change: p.Ile318fs; shifts the reading frame from isoleucine 318.
Molecular consequence: frameshift variant. On other transcripts: 5 prime UTR variant (1), non-coding transcript variant (1).
Genome position (GRCh38, 1-based): chr2:166,051,730-166,051,731, AT deleted on the plus strand (AT on the coding strand, the reverse complement: SCN1A is on the minus strand); deleting any 2 consecutive bases within chr2:166,051,730-166,051,735 gives the same sequence; the c. name uses the placement nearest the transcript's 3' end. VCF-style (leftmost placement, unchanged base first): chr2-166051729-AAT-A. GRCh37 (hg19) VCF-style: chr2-166908239-AAT-A.
Other names: c.952_953del, p.Ile318fs (NM_001165964.3, NM_001202435.3, NM_001353948.2 and 10 more transcripts); c.-1478AT[2] (NM_001353961.2); short protein forms I318fs.
Identifiers: ClinVar variation 4537865 (VCV004537865.1).